The following is an entry in ClinVar:

NM_015087.5(SPART):c.288G>T (p.Glu96Asp)

Gene: SPART (spartin; minus strand). Cytogenetic location: 13q13.3.
Variant type: single nucleotide variant.
Coding change: c.288G>T on transcript NM_015087.5 (MANE Select); coding-DNA position 288, G replaced by T.
Protein change: p.Glu96Asp; replaces glutamic acid 96 with aspartic acid.
Molecular consequence: missense variant.
Genome position (GRCh38, 1-based): chr13:36,335,543, C>A on the plus strand (G>T on the coding strand, the complement: SPART is on the minus strand). VCF-style: chr13-36335543-C-A. GRCh37 (hg19) VCF-style: chr13-36909680-C-A.
Other names: c.288G>T, p.Glu96Asp (NM_001142294.2, NM_001142295.2, NM_001142296.2); short protein forms E96D.
Identifiers: ClinVar variation 1507487 (VCV001507487.8), dbSNP rs1883916556, ClinGen allele CA387864216.
Genomic context (GRCh38, chr13:36,335,543, plus strand): 5'-TTCTGGATATAACTTGGGCACCTCCTGAAGATCATTCTGCAGAGAAGTGGCAAGACCCTT[C>A]TCTAGAATTTCCAGCCTGGTGCGTACATTCTGTAGAGTTTCTTTCATTTTCTGTTGCATC-3'
Protein context (NP_055902.1, residues 86-106): QNVRTRLEIL[Glu96Asp]KGLATSLQND

ClinVar aggregate classification (germline): Uncertain significance (1 of 4 stars; one submission).

Allele frequency attached by ClinVar (database versions not stated): TOPMed 0.00001; gnomAD exomes 0.00004.
gnomAD v4.1: 59 of 1,614,168 alleles (0.0037%); highest among the groups gnomAD compares: Non-Finnish European, 0.0049%; no homozygotes.

Submission:

Labcorp Genetics (formerly Invitae), Labcorp
Classification: Uncertain significance. Last evaluated: 2021-12-02. Review status: criteria provided, single submitter. Criteria: Invitae Variant Classification Sherloc (09022015). Collection method: clinical testing. Allele origin: germline.
Comment: In summary, the available evidence is currently insufficient to determine the role of this variant in disease. Therefore, it has been classified as a Variant of Uncertain Significance. This sequence change replaces glutamic acid, which is acidic and polar, with aspartic acid, which is acidic and polar, at codon 96 of the SPART protein (p.Glu96Asp). This variant is not present in population databases (gnomAD no frequency). This variant has not been reported in the literature in individuals affected with SPART-related conditions. Algorithms developed to predict the effect of missense changes on protein structure and function (SIFT, PolyPhen-2, Align-GVGD) all suggest that this variant is likely to be tolerated.